The following is an entry in ClinVar:

NM_000051.4(ATM):c.3951G>A (p.Lys1317=)

Gene: ATM (ATM serine/threonine kinase; plus strand). Cytogenetic location: 11q22.3.
Variant type: single nucleotide variant.
Coding change: c.3951G>A on transcript NM_000051.4 (MANE Select); coding-DNA position 3951, G replaced by A.
Protein change: p.Lys1317=; no amino-acid change (lysine 1317 retained).
Molecular consequence: synonymous variant.
Genome position (GRCh38, 1-based): chr11:108,284,431, G>A. VCF-style: chr11-108284431-G-A. GRCh37 (hg19) VCF-style: chr11-108155158-G-A.
Other names: c.3951G>A, p.Lys1317= (NM_001351834.2).
Identifiers: ClinVar variation 453496 (VCV000453496.16), dbSNP rs1485996895, ClinGen allele CA476744927.
Genomic context (GRCh38, chr11:108,284,431, plus strand): 5'-TTTTGCCTATGAGGGTACCAGAGACAGTGGGATGGCACAGCAAAGAGAGACTGCTACCAA[G>A]GTCTATGATATGCTTAAAAGTGAAAACTTATTGGGAAAACAGGTATGGCTTCAATTTTTA-3'
Protein context (NP_000042.3, residues 1307-1327): GMAQQRETAT[Lys1317=]VYDMLKSENL

ClinVar aggregate classification (germline): Benign/Likely benign. Review status: criteria provided, multiple submitters, no conflicts (2 of 4 stars). 4 submissions from 4 submitters: Benign (1); Likely benign (3). Last evaluated 2025-07-22.

Conditions:
Hereditary cancer-predisposing syndrome. Also called: Tumor predisposition; Hereditary Cancer Syndrome; Neoplastic Syndromes, Hereditary; Hereditary neoplastic syndrome. Identifiers: Orphanet 140162, MedGen C0027672, MeSH D009386, MONDO:0015356.
Familial cancer of breast. Also called: Hereditary breast cancer; hereditary breast carcinoma; BREAST CANCER, FAMILIAL. Identifiers: Orphanet 227535, MedGen C0346153, MONDO:0016419, OMIM 114480. Disease mechanism: loss of function.
Ataxia-telangiectasia syndrome (AT). Also called: Cerebello-oculocutaneous telangiectasia; Immunodeficiency with ataxia telangiectasia; Ataxia-telangiectasia, complementation group D; AT, COMPLEMENTATION GROUP C; Ataxia-telangiectasia, complementation group E; LOUIS-BAR SYNDROME. Identifiers: Orphanet 100, MedGen C0004135, MONDO:0008840, OMIM 208900.

Allele frequency attached by ClinVar (database versions not stated): gnomAD exomes below 0.00001; TOPMed below 0.00001; gnomAD 0.00001.
gnomAD v4.1: 3 of 1,613,822 alleles (0.00019%); highest among the groups gnomAD compares: Non-Finnish European, 0.00025%; no homozygotes.

Submissions (4):

Labcorp Genetics (formerly Invitae), Labcorp
Classification: Likely benign for Ataxia-telangiectasia syndrome. Last evaluated: 2025-07-22. Review status: criteria provided, single submitter. Criteria: Invitae Variant Classification Sherloc (09022015). Collection method: clinical testing. Allele origin: germline.

Myriad Genetics, Inc.
Classification: Benign for Familial cancer of breast. Last evaluated: 2024-05-15. Review status: criteria provided, single submitter. Criteria: Myriad Autosomal Dominant, Autosomal Recessive and X-Linked Classification Criteria (2023). Collection method: clinical testing. Allele origin: unknown.
Comment: This variant is considered benign. This variant is a silent/synonymous amino acid change and it is not expected to impact splicing.

Ambry Genetics
Classification: Likely benign for Hereditary cancer-predisposing syndrome. Last evaluated: 2023-08-28. Review status: criteria provided, single submitter. Criteria: Ambry Variant Classification Scheme 2023. Collection method: clinical testing. Allele origin: germline.

Color Diagnostics, LLC DBA Color Health
Classification: Likely benign for Hereditary cancer-predisposing syndrome. Last evaluated: 2018-04-30. Review status: criteria provided, single submitter. Criteria: ACMG Guidelines, 2015. Collection method: clinical testing. Allele origin: germline.